The following is an entry in ClinVar:

ClinVar aggregate classification (germline): Uncertain significance (0 of 4 stars; one submission).

Conditions:
CHD7-related disorder. Also called: CHD7-related condition.

gnomAD v4.1: 1 of 1,613,962 alleles (0.000062%); highest among the groups gnomAD compares: East Asian, 0.0022%; no homozygotes.

Submission:

PreventionGenetics, part of Exact Sciences
Classification: Uncertain significance for CHD7-related condition. Last evaluated: 2024-06-21. Review status: no assertion criteria provided. Collection method: clinical testing. Allele origin: germline.
Comment: The CHD7 c.4966G>A variant is predicted to result in the amino acid substitution p.Gly1656Arg. To our knowledge, this variant has not been reported in the literature or in a large population database, indicating this variant is rare. At this time, the clinical significance of this variant is uncertain due to the absence of conclusive functional and genetic evidence.

NM_017780.4(CHD7):c.4966G>A (p.Gly1656Arg)

Gene: CHD7 (chromodomain helicase DNA binding protein 7; plus strand). Cytogenetic location: 8q12.2.
Variant type: single nucleotide variant.
Coding change: c.4966G>A on transcript NM_017780.4 (MANE Select); coding-DNA position 4966, G replaced by A.
Protein change: p.Gly1656Arg; replaces glycine 1656 with arginine.
Molecular consequence: missense variant. On other transcripts: intron variant (1).
Genome position (GRCh38, 1-based): chr8:60,844,979, G>A. VCF-style: chr8-60844979-G-A. GRCh37 (hg19) VCF-style: chr8-61757538-G-A.
Other names: c.1717-17250G>A (NM_001316690.1); short protein forms G1656R.
Identifiers: ClinVar variation 3353825 (VCV003353825.1).
Genomic context (GRCh38, chr8:60,844,979, plus strand): 5'-GAGCAAGATGTAGAAACCATCTGCAGAACCATCCTGGTGTACTGTCTTAATCATTACAAA[G>A]GGGATGAGAATATCAAAAGCTTCATCTGGGATCTGATCACACCCACAGCGGATGGCCAGA-3'
Protein context (NP_060250.2, residues 1646-1666): ILVYCLNHYK[Gly1656Arg]DENIKSFIWD